The following is an entry in ClinVar:

NM_001126108.2(SLC12A3):c.194_207del (p.Pro65fs)

Gene: SLC12A3 (solute carrier family 12 member 3; plus strand). Cytogenetic location: 16q13.
Variant type: Deletion.
Coding change: c.194_207del on transcript NM_001126108.2 (MANE Select); coding-DNA positions 194 to 207, 14 bases deleted (CCACATATGAGCAC).
Protein change: p.Pro65fs; shifts the reading frame from proline 65.
Molecular consequence: frameshift variant.
Genome position (GRCh38, 1-based): chr16:56,865,429-56,865,442, CCACATATGAGCAC deleted; deleting any 14 consecutive bases within chr16:56,865,428-56,865,442 gives the same sequence; the c. name uses the placement nearest the transcript's 3' end. VCF-style (leftmost placement, unchanged base first): chr16-56865427-GCCCACATATGAGCA-G. GRCh37 (hg19) VCF-style: chr16-56899339-GCCCACATATGAGCA-G.
Other names: c.194_207del, p.Pro65fs (NM_000339.3, NM_001126107.2, NM_001410896.1); c.194_207delCCACATATGAGCAC (NM_000339.2); short protein forms P65fs.
Identifiers: ClinVar variation 3580947 (VCV003580947.3).

ClinVar aggregate classification (germline): Likely pathogenic. Review status: criteria provided, multiple submitters, no conflicts (2 of 4 stars). 2 submissions from 2 submitters: Likely pathogenic (2). Last evaluated 2025-02-19.

Conditions:
Familial hypokalemia-hypomagnesemia (GTLMNS). Also called: POTASSIUM AND MAGNESIUM DEPLETION; HYPOMAGNESEMIA-HYPOKALEMIA, PRIMARY RENOTUBULAR, WITH HYPOCALCIURIA; gitelman syndrome. Identifiers: Orphanet 358, MedGen C0268450, MONDO:0009904, OMIM 263800.

Submissions (2):

Natera, Inc.
Classification: Likely pathogenic for Gitelman syndrome. Last evaluated: 2025-02-19. Review status: criteria provided, single submitter. Criteria: Natera Variant Classification Schema (03/2026). Collection method: clinical testing. Allele origin: germline.
Comment: The c.194_207delCCACATATGAGCAC variant in SLC12A3 is a frameshift variant predicted to shift the reading frame beginning at codon 65 and leads to a stop codon 9 codons downstream. This variant is expected to result in nonsense mediated decay, truncation, or a dysfunctional protein product. This variant is rare in the general population with a frequency below the threshold expected for the associated phenotype(s). Given the available evidence, this variant is classified as Likely Pathogenic.

Fulgent Genetics
Classification: Likely pathogenic for Familial hypokalemia-hypomagnesemia. Last evaluated: 2024-02-19. Review status: criteria provided, single submitter. Criteria: ACMG Guidelines, 2015. Collection method: clinical testing. Allele origin: germline.